The following is an entry in ClinVar:

NM_002474.3(MYH11):c.3973C>A (p.Gln1325Lys)

Genes: MYH11 (myosin heavy chain 11; minus strand), NDE1 (nudE neurodevelopment protein 1; plus strand). Cytogenetic location: 16p13.11.
Variant type: single nucleotide variant.
Coding change: c.3973C>A on transcript NM_002474.3 (MANE Select); coding-DNA position 3973, C replaced by A.
Protein change: p.Gln1325Lys; replaces glutamine 1325 with lysine.
Molecular consequence: missense variant. On other transcripts: 3 prime UTR variant (2).
Genome position (GRCh38, 1-based): chr16:15,724,790, G>T on the plus strand (C>A on the coding strand, the complement: MYH11 is on the minus strand). VCF-style: chr16-15724790-G-T. GRCh37 (hg19) VCF-style: chr16-15818647-G-T.
Other names: c.3994C>A, p.Gln1332Lys (NM_001040113.2, NM_001040114.2); c.3973C>A, p.Gln1325Lys (NM_022844.3); c.*539G>T (NM_001143979.2, NM_017668.3); short protein forms Q1325K, Q1332K.
Identifiers: ClinVar variation 3610410 (VCV003610410.2).

ClinVar aggregate classification (germline): Uncertain significance (1 of 4 stars; one submission).

Conditions:
Aortic aneurysm, familial thoracic 4 (AAT4). Also called: AORTIC ANEURYSM/AORTIC DISSECTION AND PATENT DUCTUS ARTERIOSUS. Identifiers: MedGen C1851504, MONDO:0007568, OMIM 132900.

Submission:

Labcorp Genetics (formerly Invitae), Labcorp
Classification: Uncertain significance for Aortic aneurysm, familial thoracic 4. Last evaluated: 2024-02-07. Review status: criteria provided, single submitter. Criteria: Invitae Variant Classification Sherloc (09022015). Collection method: clinical testing. Allele origin: germline.
Comment: This sequence change replaces glutamine, which is neutral and polar, with lysine, which is basic and polar, at codon 1332 of the MYH11 protein (p.Gln1332Lys). This variant is not present in population databases (gnomAD no frequency). This variant has not been reported in the literature in individuals affected with MYH11-related conditions. Advanced modeling of protein sequence and biophysical properties (such as structural, functional, and spatial information, amino acid conservation, physicochemical variation, residue mobility, and thermodynamic stability) performed at Invitae indicates that this missense variant is not expected to disrupt MYH11 protein function with a negative predictive value of 95%. In summary, the available evidence is currently insufficient to determine the role of this variant in disease. Therefore, it has been classified as a Variant of Uncertain Significance.